The following is an entry in ClinVar:

NM_006180.6(NTRK2):c.1837C>T (p.His613Tyr)

Gene: NTRK2 (neurotrophic receptor tyrosine kinase 2; plus strand). Cytogenetic location: 9q21.33.
Variant type: single nucleotide variant.
Coding change: c.1837C>T on transcript NM_006180.6 (MANE Select); coding-DNA position 1837, C replaced by T.
Protein change: p.His613Tyr; replaces histidine 613 with tyrosine.
Molecular consequence: missense variant.
Genome position (GRCh38, 1-based): chr9:84,948,534, C>T. VCF-style: chr9-84948534-C-T. GRCh37 (hg19) VCF-style: chr9-87563449-C-T.
Other names: c.1789C>T, p.His597Tyr (NM_001018064.3, NM_001369532.1, NM_001369533.1); c.1753C>T, p.His585Tyr (NM_001369534.1); c.1321C>T, p.His441Tyr (NM_001369535.1); c.1369C>T, p.His457Tyr (NM_001369536.1); short protein forms H441Y, H457Y, H597Y, H613Y, H585Y.
Identifiers: ClinVar variation 3704593 (VCV003704593.2).

ClinVar aggregate classification (germline): Uncertain significance (1 of 4 stars; one submission).

gnomAD v4.1: 2 of 1,614,138 alleles (0.00012%); no homozygotes.

Submission:

Labcorp Genetics (formerly Invitae), Labcorp
Classification: Uncertain significance. Last evaluated: 2025-01-19. Review status: criteria provided, single submitter. Criteria: Invitae Variant Classification Sherloc (09022015). Collection method: clinical testing. Allele origin: germline.
Comment: This sequence change replaces histidine, which is basic and polar, with tyrosine, which is neutral and polar, at codon 613 of the NTRK2 protein (p.His613Tyr). This variant is present in population databases (no rsID available, gnomAD 0.004%). This variant has not been reported in the literature in individuals affected with NTRK2-related conditions. Invitae Evidence Modeling of protein sequence and biophysical properties (such as structural, functional, and spatial information, amino acid conservation, physicochemical variation, residue mobility, and thermodynamic stability) has been performed for this missense variant. However, the output from this modeling did not meet the statistical confidence thresholds required to predict the impact of this variant on NTRK2 protein function. In summary, the available evidence is currently insufficient to determine the role of this variant in disease. Therefore, it has been classified as a Variant of Uncertain Significance.